The following is an entry in ClinVar:

ClinVar aggregate classification (germline): Conflicting classifications of pathogenicity. Review status: criteria provided, conflicting classifications (1 of 4 stars). 2 submissions from 2 submitters: Uncertain significance (1); Likely benign (1). Last evaluated 2022-07-21.

Allele frequency attached by ClinVar (database versions not stated): ExAC 0.00001; gnomAD exomes 0.00001; TOPMed 0.00001.
gnomAD v4.1: 10 of 1,211,268 alleles (0.00083%); highest among the groups gnomAD compares: Non-Finnish European, 0.0011%; no homozygotes.

Submissions (2):

Labcorp Genetics (formerly Invitae), Labcorp
Classification: Uncertain significance. Last evaluated: 2022-07-21. Review status: criteria provided, single submitter. Criteria: Invitae Variant Classification Sherloc (09022015). Collection method: clinical testing. Allele origin: germline.
Comment: In summary, the available evidence is currently insufficient to determine the role of this variant in disease. Therefore, it has been classified as a Variant of Uncertain Significance. Algorithms developed to predict the effect of missense changes on protein structure and function output the following: SIFT: "Tolerated"; PolyPhen-2: "Benign"; Align-GVGD: "Class C0". The serine amino acid residue is found in multiple mammalian species, which suggests that this missense change does not adversely affect protein function. This variant has not been reported in the literature in individuals affected with LAGE3-related conditions. The frequency data for this variant in the population databases is considered unreliable, as metrics indicate poor data quality at this position in the gnomAD database. This sequence change replaces arginine, which is basic and polar, with serine, which is neutral and polar, at codon 102 of the LAGE3 protein (p.Arg102Ser).

Ambry Genetics
Classification: Likely benign. Last evaluated: 2022-04-07. Review status: criteria provided, single submitter. Criteria: Ambry Variant Classification Scheme 2023. Collection method: clinical testing. Allele origin: germline.

NM_006014.5(LAGE3):c.306G>T (p.Arg102Ser)

Gene: LAGE3 (L antigen family member 3; minus strand). Cytogenetic location: Xq28.
Variant type: single nucleotide variant.
Coding change: c.306G>T on transcript NM_006014.5 (MANE Select); coding-DNA position 306, G replaced by T.
Protein change: p.Arg102Ser; replaces arginine 102 with serine.
Molecular consequence: missense variant.
Genome position (GRCh38, 1-based): chrX:154,478,294, C>A on the plus strand (G>T on the coding strand, the complement: LAGE3 is on the minus strand). VCF-style: chrX-154478294-C-A. GRCh37 (hg19) VCF-style: chrX-153706633-C-A.
Other names: short protein forms R102S.
Identifiers: ClinVar variation 1902816 (VCV001902816.6), dbSNP rs782792256, ClinGen allele CA10565231.